The following is an entry in ClinVar:

NM_000313.4(PROS1):c.1149G>A (p.Trp383Ter)

Gene: PROS1 (protein S; minus strand). Cytogenetic location: 3q11.1.
Variant type: single nucleotide variant.
Coding change: c.1149G>A on transcript NM_000313.4 (MANE Select); coding-DNA position 1149, G replaced by A.
Protein change: p.Trp383Ter; replaces tryptophan 383 with a stop codon.
Molecular consequence: nonsense.
Genome position (GRCh38, 1-based): chr3:93,892,939, C>T on the plus strand (G>A on the coding strand, the complement: PROS1 is on the minus strand). VCF-style: chr3-93892939-C-T. GRCh37 (hg19) VCF-style: chr3-93611783-C-T.
Other names: c.1245G>A, p.Trp415Ter (NM_001314077.2); short protein forms W383*, W415*.
Identifiers: ClinVar variation 963334 (VCV000963334.7), dbSNP rs1708453639, ClinGen allele CA353671723.

ClinVar aggregate classification (germline): Pathogenic (1 of 4 stars; one submission).

Conditions:
Thrombophilia due to protein S deficiency, autosomal recessive (THPH6). Identifiers: Orphanet 743, MedGen C3281092, MONDO:0013791, OMIM 614514. Disease mechanism: loss of function.

Submission:

Labcorp Genetics (formerly Invitae), Labcorp
Classification: Pathogenic for Thrombophilia due to protein S deficiency, autosomal recessive. Last evaluated: 2026-01-12. Review status: criteria provided, single submitter. Criteria: Invitae Variant Classification Sherloc (09022015). Collection method: clinical testing. Allele origin: germline.
Comment: This sequence change creates a premature translational stop signal (p.Trp383*) in the PROS1 gene. It is expected to result in an absent or disrupted protein product. Loss-of-function variants in PROS1 are known to be pathogenic (PMID: 9241758). This variant is not present in population databases (gnomAD no frequency). This variant has not been reported in the literature in individuals affected with PROS1-related conditions. ClinVar contains an entry for this variant (Variation ID: 963334). Algorithms developed to predict the effect of sequence changes on RNA splicing suggest that this variant may disrupt the consensus splice site. For these reasons, this variant has been classified as Pathogenic.

Literature cited by the submitters: PubMed 9241758.